The following is an entry in ClinVar:

ClinVar aggregate classification (germline): Pathogenic (1 of 4 stars; one submission).

Submission:

Labcorp Genetics (formerly Invitae), Labcorp
Classification: Pathogenic. Last evaluated: 2025-07-22. Review status: criteria provided, single submitter. Criteria: Invitae Variant Classification Sherloc (09022015). Collection method: clinical testing. Allele origin: germline.
Comment: This sequence change creates a premature translational stop signal (p.Gly86*) in the SI gene. It is expected to result in an absent or disrupted protein product. Loss-of-function variants in SI are known to be pathogenic (PMID: 16329100, 23103650, 25452324). This variant is not present in population databases (gnomAD no frequency). This variant has not been reported in the literature in individuals affected with SI-related conditions. Algorithms developed to predict the effect of sequence changes on RNA splicing suggest that this variant may disrupt the consensus splice site. For these reasons, this variant has been classified as Pathogenic.

Literature cited by the submitters: PubMed 16329100; PubMed 23103650; PubMed 25452324.

NM_001041.4(SI):c.256G>T (p.Gly86Ter)

Gene: SI (sucrase-isomaltase; minus strand). Cytogenetic location: 3q26.1.
Variant type: single nucleotide variant.
Coding change: c.256G>T on transcript NM_001041.4 (MANE Select); coding-DNA position 256, G replaced by T.
Protein change: p.Gly86Ter; replaces glycine 86 with a stop codon.
Molecular consequence: nonsense.
Genome position (GRCh38, 1-based): chr3:165,069,195, C>A on the plus strand (G>T on the coding strand, the complement: SI is on the minus strand). VCF-style: chr3-165069195-C-A. GRCh37 (hg19) VCF-style: chr3-164786983-C-A.
Other names: short protein forms G86*.
Identifiers: ClinVar variation 4804912 (VCV004804912.1).